The following is an entry in ClinVar:

NM_000780.4(CYP7A1):c.732C>G (p.His244Gln)

Gene: CYP7A1 (cytochrome P450 family 7 subfamily A member 1; minus strand). Cytogenetic location: 8q12.1.
Variant type: single nucleotide variant.
Coding change: c.732C>G on transcript NM_000780.4 (MANE Select); coding-DNA position 732, C replaced by G.
Protein change: p.His244Gln; replaces histidine 244 with glutamine.
Molecular consequence: missense variant.
Genome position (GRCh38, 1-based): chr8:58,496,780, G>C on the plus strand (C>G on the coding strand, the complement: CYP7A1 is on the minus strand). VCF-style: chr8-58496780-G-C. GRCh37 (hg19) VCF-style: chr8-59409339-G-C.
Other names: short protein forms H244Q.
Identifiers: ClinVar variation 3676669 (VCV003676669.2).

ClinVar aggregate classification (germline): Uncertain significance (1 of 4 stars; one submission).

gnomAD v4.1: 8 of 1,614,082 alleles (0.0005%); highest among the groups gnomAD compares: South Asian, 0.0055%; no homozygotes.

Submission:

Labcorp Genetics (formerly Invitae), Labcorp
Classification: Uncertain significance. Last evaluated: 2024-10-30. Review status: criteria provided, single submitter. Criteria: Invitae Variant Classification Sherloc (09022015). Collection method: clinical testing. Allele origin: germline.
Comment: This sequence change replaces histidine, which is basic and polar, with glutamine, which is neutral and polar, at codon 244 of the CYP7A1 protein (p.His244Gln). This variant is present in population databases (rs370924818, gnomAD 0.01%). This variant has not been reported in the literature in individuals affected with CYP7A1-related conditions. Invitae Evidence Modeling of protein sequence and biophysical properties (such as structural, functional, and spatial information, amino acid conservation, physicochemical variation, residue mobility, and thermodynamic stability) indicates that this missense variant is not expected to disrupt CYP7A1 protein function with a negative predictive value of 80%. In summary, the available evidence is currently insufficient to determine the role of this variant in disease. Therefore, it has been classified as a Variant of Uncertain Significance.